The following is an entry in ClinVar:

ClinVar aggregate classification (germline): Uncertain significance (1 of 4 stars; one submission).

Submission:

Labcorp Genetics (formerly Invitae), Labcorp
Classification: Uncertain significance. Last evaluated: 2022-03-09. Review status: criteria provided, single submitter. Criteria: Invitae Variant Classification Sherloc (09022015). Collection method: clinical testing. Allele origin: germline.
Comment: In summary, the available evidence is currently insufficient to determine the role of this variant in disease. Therefore, it has been classified as a Variant of Uncertain Significance. This sequence change replaces proline, which is neutral and non-polar, with leucine, which is neutral and non-polar, at codon 2244 of the SPEG protein (p.Pro2244Leu). This variant is not present in population databases (gnomAD no frequency). This variant has not been reported in the literature in individuals affected with SPEG-related conditions. Algorithms developed to predict the effect of missense changes on protein structure and function are either unavailable or do not agree on the potential impact of this missense change (SIFT: "Deleterious"; PolyPhen-2: "Possibly Damaging"; Align-GVGD: "Class C0").

NM_005876.5(SPEG):c.6731C>T (p.Pro2244Leu)

Genes: ASIC4-AS1 (ASIC4 antisense RNA 1; minus strand), SPEG (striated muscle enriched protein kinase; plus strand). Cytogenetic location: 2q35.
Variant type: single nucleotide variant.
Coding change: c.6731C>T on transcript NM_005876.5 (MANE Select); coding-DNA position 6731, C replaced by T.
Protein change: p.Pro2244Leu; replaces proline 2244 with leucine.
Molecular consequence: missense variant.
Genome position (GRCh38, 1-based): chr2:219,484,194, C>T. VCF-style: chr2-219484194-C-T. GRCh37 (hg19) VCF-style: chr2-220348916-C-T.
Other names: short protein forms P2244L.
Identifiers: ClinVar variation 2107956 (VCV002107956.4), dbSNP rs2545938518, ClinGen allele CA350699188.